The following is an entry in ClinVar:

ClinVar aggregate classification (germline): Uncertain significance (1 of 4 stars; one submission).

Conditions:
Cerebral folate transport deficiency. Also called: Cerebral folate deficiency syndrome; NEURODEGENERATION DUE TO CEREBRAL FOLATE TRANSPORT DEFICIENCY; FOLR1-Related Cerebral Folate Transport Deficiency; FOLATE RECEPTOR DEFICIENCY; Neurodegenerative syndrome due to cerebral folate transport deficiency. Identifiers: Orphanet 217382, MedGen C2751584, MONDO:0013110, OMIM 613068. Disease mechanism: loss of function.

Submission:

Labcorp Genetics (formerly Invitae), Labcorp
Classification: Uncertain significance for Cerebral folate transport deficiency. Last evaluated: 2022-04-06. Review status: criteria provided, single submitter. Criteria: Invitae Variant Classification Sherloc (09022015). Collection method: clinical testing. Allele origin: germline.
Comment: This sequence change replaces leucine, which is neutral and non-polar, with proline, which is neutral and non-polar, at codon 253 of the FOLR1 protein (p.Leu253Pro). This variant is not present in population databases (gnomAD no frequency). This variant has not been reported in the literature in individuals affected with FOLR1-related conditions. Algorithms developed to predict the effect of missense changes on protein structure and function are either unavailable or do not agree on the potential impact of this missense change (SIFT: "Tolerated"; PolyPhen-2: "Not Available"; Align-GVGD: "Class C0"). In summary, the available evidence is currently insufficient to determine the role of this variant in disease. Therefore, it has been classified as a Variant of Uncertain Significance.

NM_016729.3(FOLR1):c.758T>C (p.Leu253Pro)

Genes: FOLR1-AS1 (FOLR1 antisense RNA 1; minus strand), FOLR1 (folate receptor alpha; plus strand). Cytogenetic location: 11q13.4.
Variant type: single nucleotide variant.
Coding change: c.758T>C on transcript NM_016729.3 (MANE Select); coding-DNA position 758, T replaced by C.
Protein change: p.Leu253Pro; replaces leucine 253 with proline.
Molecular consequence: missense variant.
Genome position (GRCh38, 1-based): chr11:72,196,161, T>C. VCF-style: chr11-72196161-T-C. GRCh37 (hg19) VCF-style: chr11-71907205-T-C.
Other names: c.758T>C, p.Leu253Pro (NM_000802.3, NM_016724.3, NM_016725.3 and 1 more transcripts); short protein forms L253P.
Identifiers: ClinVar variation 2121977 (VCV002121977.4), dbSNP rs1948233031, ClinGen allele CA381735638.